The following is an entry in ClinVar:

ClinVar aggregate classification (germline): Uncertain significance. Review status: criteria provided, multiple submitters, no conflicts (2 of 4 stars). 2 submissions from 2 submitters: Uncertain significance (2). Last evaluated 2025-12-03.

Conditions:
Hereditary cancer-predisposing syndrome. Also called: Neoplastic Syndromes, Hereditary; Hereditary Cancer Syndrome; Tumor predisposition; Hereditary neoplastic syndrome. Identifiers: Orphanet 140162, MedGen C0027672, MeSH D009386, MONDO:0015356.

Allele frequency attached by ClinVar (database versions not stated): gnomAD exomes below 0.00001.
gnomAD v4.1: 1 of 1,614,248 alleles (0.000062%); highest among the groups gnomAD compares: East Asian, 0.0022%; no homozygotes.

Submissions (2):

Labcorp Genetics (formerly Invitae), Labcorp
Classification: Uncertain significance. Last evaluated: 2025-12-03. Review status: criteria provided, single submitter. Criteria: Invitae Variant Classification Sherloc (09022015). Collection method: clinical testing. Allele origin: germline.
Comment: This sequence change replaces asparagine, which is neutral and polar, with aspartic acid, which is acidic and polar, at codon 240 of the CTNNA1 protein (p.Asn240Asp). This variant is present in population databases (no rsID available, gnomAD 0.006%). This variant has not been reported in the literature in individuals affected with CTNNA1-related conditions. ClinVar contains an entry for this variant (Variation ID: 970296). Invitae Evidence Modeling of protein sequence and biophysical properties (such as structural, functional, and spatial information, amino acid conservation, physicochemical variation, residue mobility, and thermodynamic stability) indicates that this missense variant is expected to disrupt CTNNA1 protein function with a positive predictive value of 80%. In summary, the available evidence is currently insufficient to determine the role of this variant in disease. Therefore, it has been classified as a Variant of Uncertain Significance.

Ambry Genetics
Classification: Uncertain significance for Hereditary cancer-predisposing syndrome. Last evaluated: 2024-08-21. Review status: criteria provided, single submitter. Criteria: Ambry Variant Classification Scheme 2023. Collection method: clinical testing. Allele origin: germline.
Comment: The p.N240D variant (also known as c.718A>G), located in coding exon 5 of the CTNNA1 gene, results from an A to G substitution at nucleotide position 718. The asparagine at codon 240 is replaced by aspartic acid, an amino acid with highly similar properties. This amino acid position is conserved. In addition, the in silico prediction for this alteration is inconclusive. Based on the available evidence, the clinical significance of this variant remains unclear.

NM_001903.5(CTNNA1):c.718A>G (p.Asn240Asp)

Gene: CTNNA1 (catenin alpha 1; plus strand). Cytogenetic location: 5q31.2.
Variant type: single nucleotide variant.
Coding change: c.718A>G on transcript NM_001903.5 (MANE Select); coding-DNA position 718, A replaced by G.
Protein change: p.Asn240Asp; replaces asparagine 240 with aspartic acid.
Molecular consequence: missense variant.
Genome position (GRCh38, 1-based): chr5:138,824,659, A>G. VCF-style: chr5-138824659-A-G. GRCh37 (hg19) VCF-style: chr5-138160348-A-G.
Other names: c.718A>G, p.Asn240Asp (NM_001290307.3, NM_001323982.2, NM_001323983.1 and 3 more transcripts); c.409A>G, p.Asn137Asp (NM_001290309.3); c.349A>G, p.Asn117Asp (NM_001290310.3); c.718A>G (NM_001903.2); short protein forms N117D, N137D, N240D.
Identifiers: ClinVar variation 970296 (VCV000970296.10), dbSNP rs1296658237, ClinGen allele CA361129832.